The following is an entry in ClinVar:

NM_003924.4(PHOX2B):c.746C>T (p.Ala249Val)

Genes: PHOX2B (paired like homeobox 2B; minus strand), LOC110011216 (paired like homeobox 2b polyalanine repeat instability region; plus strand). Cytogenetic location: 4p13.
Variant type: single nucleotide variant.
Coding change: c.746C>T on transcript NM_003924.4 (MANE Select); coding-DNA position 746, C replaced by T.
Protein change: p.Ala249Val; replaces alanine 249 with valine.
Molecular consequence: missense variant.
Genome position (GRCh38, 1-based): chr4:41,746,006, G>A on the plus strand (C>T on the coding strand, the complement: PHOX2B is on the minus strand). VCF-style: chr4-41746006-G-A. GRCh37 (hg19) VCF-style: chr4-41748023-G-A.
Other names: short protein forms A249V.
Identifiers: ClinVar variation 952953 (VCV000952953.14), dbSNP rs752867315, ClinGen allele CA2901448.
Genomic context (GRCh38, chr4:41,746,006, plus strand): 5'-GGGCCCCCAGCCGCAGCCAGGCCTCCAGCTGCCGCCGCTGCCGCTGCCGCCGCCGCCGCT[G>A]CCGCGGCCGCCGCCGCTGCTGCTGCGCCGCCCTTGCCGGGTTCGCCTCCCGGGCCCCCGG-3'
Protein context (NP_003915.2, residues 239-259): GGAAAAAAAA[Ala249Val]AAAAAAAAAA

ClinVar aggregate classification (germline): Uncertain significance. Review status: criteria provided, multiple submitters, no conflicts (2 of 4 stars). 4 submissions from 4 submitters: Uncertain significance (4). Last evaluated 2025-11-10.

Conditions:
Hereditary cancer-predisposing syndrome. Also called: Tumor predisposition; Hereditary neoplastic syndrome; Neoplastic Syndromes, Hereditary; Hereditary Cancer Syndrome. Identifiers: Orphanet 140162, MedGen C0027672, MeSH D009386, MONDO:0015356.
Haddad syndrome (OHD). Also called: Ondine-Hirschsprung disease. Identifiers: Orphanet 99803, MedGen C1859049, MONDO:0020493.
Neuroblastoma, susceptibility to, 2. Identifiers: Orphanet 635, MedGen C2751682, MONDO:0700041, OMIM 613013.

Allele frequency attached by ClinVar (database versions not stated): ExAC below 0.00001; gnomAD 0.00003; TOPMed 0.00003; gnomAD exomes 0.00005 and 0.00018.
gnomAD v4.1: 49 of 1,128,256 alleles (0.0043%); highest among the groups gnomAD compares: Non-Finnish European, 0.0051%; no homozygotes.

Submissions (4):

Labcorp Genetics (formerly Invitae), Labcorp
Classification: Uncertain significance for Haddad syndrome. Last evaluated: 2025-11-10. Review status: criteria provided, single submitter. Criteria: Invitae Variant Classification Sherloc (09022015). Collection method: clinical testing. Allele origin: germline.
Comment: This sequence change replaces alanine, which is neutral and non-polar, with valine, which is neutral and non-polar, at codon 249 of the PHOX2B protein (p.Ala249Val). The frequency data for this variant in the population databases is considered unreliable, as metrics indicate poor data quality at this position in the gnomAD database. This variant has not been reported in the literature in individuals affected with PHOX2B-related conditions. ClinVar contains an entry for this variant (Variation ID: 952953). Experimental studies and prediction algorithms are not available or were not evaluated, and the functional significance of this variant is currently unknown. In summary, the available evidence is currently insufficient to determine the role of this variant in disease. Therefore, it has been classified as a Variant of Uncertain Significance.

Baylor Genetics
Classification: Uncertain significance for Neuroblastoma, susceptibility to, 2. Last evaluated: 2024-03-19. Review status: criteria provided, single submitter. Criteria: ACMG Guidelines, 2015. Collection method: clinical testing. Allele origin: unknown.

GeneDx
Classification: Uncertain significance. Last evaluated: 2024-03-05. Review status: criteria provided, single submitter. Criteria: GeneDx Variant Classification Process June 2021. Collection method: clinical testing. Allele origin: germline. Affected: yes.
Comment: In silico analysis supports that this missense variant does not alter protein structure/function; Has not been previously published as pathogenic or benign to our knowledge

Ambry Genetics
Classification: Uncertain significance for Hereditary cancer-predisposing syndrome. Last evaluated: 2024-02-22. Review status: criteria provided, single submitter. Criteria: Ambry Variant Classification Scheme 2023. Collection method: clinical testing. Allele origin: germline.
Comment: The p.A249V variant (also known as c.746C>T), located in coding exon 3 of the PHOX2B gene, results from a C to T substitution at nucleotide position 746. The alanine at codon 249 is replaced by valine, an amino acid with similar properties. This amino acid position is conserved. In addition, this alteration is predicted to be tolerated by in silico analysis. Since supporting evidence is limited at this time, the clinical significance of this alteration remains unclear.